The following is an entry in ClinVar:

NM_000418.4(IL4R):c.812G>A (p.Arg271His)

Gene: IL4R (interleukin 4 receptor; plus strand). Cytogenetic location: 16p12.1.
Variant type: single nucleotide variant.
Coding change: c.812G>A on transcript NM_000418.4 (MANE Select); coding-DNA position 812, G replaced by A.
Protein change: p.Arg271His; replaces arginine 271 with histidine.
Molecular consequence: missense variant.
Genome position (GRCh38, 1-based): chr16:27,358,957, G>A. VCF-style: chr16-27358957-G-A. GRCh37 (hg19) VCF-style: chr16-27370278-G-A.
Other names: c.812G>A, p.Arg271His (NM_001257406.2); c.767G>A, p.Arg256His (NM_001257407.2); c.332G>A, p.Arg111His (NM_001257997.2); short protein forms R271H, R111H, R256H.
Identifiers: ClinVar variation 708028 (VCV000708028.6), dbSNP rs55988941, ClinGen allele CA7974369.

ClinVar aggregate classification (germline): Benign. Review status: criteria provided, multiple submitters, no conflicts (2 of 4 stars). 3 submissions from 3 submitters: Benign (2). 1 of the submissions does not count toward it. Last evaluated 2017-11-27.

Conditions:
IL4R-related disorder. Also called: IL4R-related condition.

Allele frequency attached by ClinVar (database versions not stated): 1000 Genomes Project 0.00040; 1000 Genomes Project 30x 0.00047; ESP Exome Variant Server 0.00169; TOPMed 0.00192; gnomAD exomes 0.00232; gnomAD 0.00234 and 0.00240; ExAC 0.00242.

Submissions (3):

Labcorp Genetics (formerly Invitae), Labcorp
Classification: Benign. Last evaluated: 2017-11-27. Review status: criteria provided, single submitter. Criteria: Invitae Variant Classification Sherloc (09022015). Collection method: clinical testing. Allele origin: germline.

Breakthrough Genomics
Classification: Benign. Review status: criteria provided, single submitter. Criteria: ACMG Guidelines, 2015. Collection method: not provided. Allele origin: germline. Inheritance: Autosomal dominant inheritance. Affected: yes.

PreventionGenetics, part of Exact Sciences
Classification: Benign for IL4R-related condition. Last evaluated: 2020-03-20. Review status: no assertion criteria provided. Collection method: clinical testing. Allele origin: germline. Not counted in ClinVar's aggregate classification.
Comment: This variant is classified as benign based on ACMG/AMP sequence variant interpretation guidelines (Richards et al. 2015 PMID: 25741868, with internal and published modifications).